The following is an entry in ClinVar:

NM_152618.3(BBS12):c.978_979inv (p.Ser327Thr)

Gene: BBS12 (Bardet-Biedl syndrome 12; plus strand). Cytogenetic location: 4q27.
Variant type: Inversion.
Coding change: c.978_979inv on transcript NM_152618.3 (MANE Select).
Protein change: p.Ser327Thr; replaces serine 327 with threonine.
Molecular consequence: missense variant.
Genome position: GRCh38 VCF-style: chr4-122742870-TT-AA. GRCh37 (hg19) VCF-style: chr4-123664025-TT-AA.
Other names: c.978_979delinsAA (NM_152618.3); c.978_979inv, p.Ser327Thr (NM_001178007.2); short protein forms S327T.
Identifiers: ClinVar variation 965208 (VCV000965208.5), ClinGen allele CA1139658635.

ClinVar aggregate classification (germline): Uncertain significance. Review status: criteria provided, multiple submitters, no conflicts (2 of 4 stars). 2 submissions from 2 submitters: Uncertain significance (2). Last evaluated 2024-05-07.

Conditions:
Bardet-Biedl syndrome (BBS). Identifiers: Orphanet 110, MedGen C0752166, MONDO:0015229.

Submissions (2):

Genetic Services Laboratory, University of Chicago
Classification: Uncertain significance. Last evaluated: 2024-05-07. Review status: criteria provided, single submitter. Criteria: ACMG Guidelines, 2015. Collection method: clinical testing. Allele origin: germline. Affected: no.
Comment: DNA sequence analysis of the BBS12 gene demonstrated a deletion and insertion of two base pairs in exon 2, c.978_979delinsAA. This in-frame deletion/insertion is predicted to result in a missense change, p.Ser327Thr. This sequence change does not appear to have been previously described in individuals with BBS12-related disorders and has also not been described in population databases such as ExAC and gnomAD. The p.Ser327Thr change affects a poorly conserved amino acid residue located in a domain of the BBS12 protein that is known to be functional. The p.Ser327Thr substitution appears to be benign using several in-silico pathogenicity prediction tools (SIFT, PolyPhen2, Align GVGD). Due to insufficient evidences and the lack of functional studies, the clinical significance of the p.Arg699His change remains unknown at this time.

Labcorp Genetics (formerly Invitae), Labcorp
Classification: Uncertain significance for Bardet-Biedl syndrome. Last evaluated: 2022-10-24. Review status: criteria provided, single submitter. Criteria: Invitae Variant Classification Sherloc (09022015). Collection method: clinical testing. Allele origin: germline.
Comment: This sequence change replaces serine, which is neutral and polar, with threonine, which is neutral and polar, at codon 327 of the BBS12 protein (p.Ser327Thr). Information on the frequency of this variant in the gnomAD database is not available, as this variant may be reported differently in the database. This variant has not been reported in the literature in individuals affected with BBS12-related conditions. ClinVar contains an entry for this variant (Variation ID: 965208). Experimental studies and prediction algorithms are not available or were not evaluated, and the functional significance of this variant is currently unknown. In summary, the available evidence is currently insufficient to determine the role of this variant in disease. Therefore, it has been classified as a Variant of Uncertain Significance.